The following is an entry in ClinVar:

NM_001365999.1(SZT2):c.3397C>T (p.His1133Tyr)

Gene: SZT2 (SZT2 subunit of KICSTOR complex; plus strand). Cytogenetic location: 1p34.2.
Variant type: single nucleotide variant.
Coding change: c.3397C>T on transcript NM_001365999.1 (MANE Select); coding-DNA position 3397, C replaced by T.
Protein change: p.His1133Tyr; replaces histidine 1133 with tyrosine.
Molecular consequence: missense variant.
Genome position (GRCh38, 1-based): chr1:43,427,143, C>T. VCF-style: chr1-43427143-C-T. GRCh37 (hg19) VCF-style: chr1-43892814-C-T.
Other names: c.3226C>T, p.His1076Tyr (NM_015284.4); short protein forms H1076Y, H1133Y.
Identifiers: ClinVar variation 971978 (VCV000971978.9), dbSNP rs1653250415, ClinGen allele CA340017530.

ClinVar aggregate classification (germline): Uncertain significance (1 of 4 stars; one submission).

Submission:

Labcorp Genetics (formerly Invitae), Labcorp
Classification: Uncertain significance. Last evaluated: 2020-06-19. Review status: criteria provided, single submitter. Criteria: Invitae Variant Classification Sherloc (09022015). Collection method: clinical testing. Allele origin: germline.
Comment: In summary, the available evidence is currently insufficient to determine the role of this variant in disease. Therefore, it has been classified as a Variant of Uncertain Significance. Algorithms developed to predict the effect of sequence changes on RNA splicing suggest that this variant may create or strengthen a splice site, but this prediction has not been confirmed by published transcriptional studies. Algorithms developed to predict the effect of missense changes on protein structure and function are either unavailable or do not agree on the potential impact of this missense change (SIFT: "Deleterious"; PolyPhen-2: "Possibly Damaging"; Align-GVGD: "Class C0"). This variant has not been reported in the literature in individuals with SZT2-related conditions. This variant is not present in population databases (ExAC no frequency). This sequence change replaces histidine with tyrosine at codon 1076 of the SZT2 protein (p.His1076Tyr). The histidine residue is highly conserved and there is a moderate physicochemical difference between histidine and tyrosine.